The following is an entry in ClinVar:

NM_001036.6(RYR3):c.11255A>G (p.Asn3752Ser)

Gene: RYR3 (ryanodine receptor 3; plus strand). Cytogenetic location: 15q14.
Variant type: single nucleotide variant.
Coding change: c.11255A>G on transcript NM_001036.6 (MANE Select); coding-DNA position 11255, A replaced by G.
Protein change: p.Asn3752Ser; replaces asparagine 3752 with serine.
Molecular consequence: missense variant.
Genome position (GRCh38, 1-based): chr15:33,827,208, A>G. VCF-style: chr15-33827208-A-G. GRCh37 (hg19) VCF-style: chr15-34119409-A-G.
Other names: c.11255A>G (NM_001036.3); c.11240A>G, p.Asn3747Ser (NM_001243996.4); short protein forms N3752S, N3747S.
Identifiers: ClinVar variation 660815 (VCV000660815.13), dbSNP rs896349674, ClinGen allele CA268581554.

ClinVar aggregate classification (germline): Uncertain significance. Review status: criteria provided, multiple submitters, no conflicts (2 of 4 stars). 2 submissions from 2 submitters: Uncertain significance (2). Last evaluated 2025-08-14.

Conditions:
Epileptic encephalopathy. Identifiers: MedGen C0543888, HP:0200134.

Allele frequency attached by ClinVar (database versions not stated): gnomAD exomes 0.00001 and 0.00007; gnomAD 0.00002; TOPMed 0.00002.
gnomAD v4.1: 104 of 1,551,732 alleles (0.0067%); highest among the groups gnomAD compares: Middle Eastern, 0.017%; no homozygotes.

Submissions (2):

Ambry Genetics
Classification: Uncertain significance. Last evaluated: 2025-08-14. Review status: criteria provided, single submitter. Criteria: Ambry Variant Classification Scheme 2023. Collection method: clinical testing. Allele origin: germline.

Labcorp Genetics (formerly Invitae), Labcorp
Classification: Uncertain significance for Epileptic encephalopathy. Last evaluated: 2022-10-13. Review status: criteria provided, single submitter. Criteria: Invitae Variant Classification Sherloc (09022015). Collection method: clinical testing. Allele origin: germline.
Comment: This variant is present in population databases (no rsID available, gnomAD 0.004%). This sequence change replaces asparagine, which is neutral and polar, with serine, which is neutral and polar, at codon 3752 of the RYR3 protein (p.Asn3752Ser). This variant has not been reported in the literature in individuals affected with RYR3-related conditions. In summary, the available evidence is currently insufficient to determine the role of this variant in disease. Therefore, it has been classified as a Variant of Uncertain Significance. Advanced modeling of protein sequence and biophysical properties (such as structural, functional, and spatial information, amino acid conservation, physicochemical variation, residue mobility, and thermodynamic stability) performed at Invitae indicates that this missense variant is expected to disrupt RYR3 protein function. ClinVar contains an entry for this variant (Variation ID: 660815).